The following is an entry in ClinVar:

NM_001128178.3(NPHP1):c.860G>A (p.Gly287Glu)

Gene: NPHP1 (nephrocystin 1; minus strand). Cytogenetic location: 2q13.
Variant type: single nucleotide variant.
Coding change: c.860G>A on transcript NM_001128178.3 (MANE Select); coding-DNA position 860, G replaced by A.
Protein change: p.Gly287Glu; replaces glycine 287 with glutamic acid.
Molecular consequence: missense variant.
Genome position (GRCh38, 1-based): chr2:110,161,697, C>T on the plus strand (G>A on the coding strand, the complement: NPHP1 is on the minus strand). VCF-style: chr2-110161697-C-T. GRCh37 (hg19) VCF-style: chr2-110919274-C-T.
Other names: c.1028G>A, p.Gly343Glu (NM_000272.5); c.671G>A, p.Gly224Glu (NM_001128179.3); c.857G>A, p.Gly286Glu (NM_001374256.1); c.860G>A, p.Gly287Glu (NM_001374257.1); c.1025G>A, p.Gly342Glu (NM_207181.4); c.1028G>A (NM_000272.3); short protein forms G287E, G342E, G343E, G286E, G224E.
Identifiers: ClinVar variation 4720362 (VCV004720362.2).

ClinVar aggregate classification (germline): Uncertain significance. Review status: criteria provided, multiple submitters, no conflicts (2 of 4 stars). 2 submissions from 2 submitters: Uncertain significance (2). Last evaluated 2026-08-03.

Conditions:
NPHP1-related disorder. Also called: NPHP1-related condition; NPHP1-related disorders.
Nephronophthisis. Also called: Juvenile Nephronophthisis. Identifiers: Orphanet 655, MedGen C0687120, MONDO:0019005, HP:0000090.

Submissions (2):

PreventionGenetics, part of Exact Sciences
Classification: Uncertain significance for NPHP1-related condition. Last evaluated: 2026-08-03. Review status: criteria provided, single submitter. Criteria: ACMG Guidelines, 2015. Collection method: clinical testing. Allele origin: germline.
Comment: The NPHP1 c.1028G>A variant is predicted to result in the amino acid substitution p.Gly343Glu. To our knowledge, this variant has not been reported in the literature or gnomAD, indicating that this variant is rare. At this time, the clinical significance of this variant is uncertain due to the absence of conclusive functional and genetic evidence.

Labcorp Genetics (formerly Invitae), Labcorp
Classification: Uncertain significance for Nephronophthisis. Last evaluated: 2025-08-15. Review status: criteria provided, single submitter. Criteria: Invitae Variant Classification Sherloc (09022015). Collection method: clinical testing. Allele origin: germline.
Comment: This sequence change replaces glycine, which is neutral and non-polar, with glutamic acid, which is acidic and polar, at codon 343 of the NPHP1 protein (p.Gly343Glu). This variant is present in population databases (no rsID available, gnomAD 0.01%). This variant has not been reported in the literature in individuals affected with NPHP1-related conditions. An algorithm developed to predict the effect of missense changes on protein structure and function (PolyPhen-2) suggests that this variant is likely to be disruptive. Algorithms developed to predict the effect of sequence changes on RNA splicing suggest that this variant may disrupt the consensus splice site. In summary, the available evidence is currently insufficient to determine the role of this variant in disease. Therefore, it has been classified as a Variant of Uncertain Significance.